The following is an entry in ClinVar:

NM_001101426.4(CRPPA):c.243A>G (p.Leu81=)

Gene: CRPPA (CDP-L-ribitol pyrophosphorylase A; minus strand). Cytogenetic location: 7p21.2.
Variant type: single nucleotide variant.
Coding change: c.243A>G on transcript NM_001101426.4 (MANE Select); coding-DNA position 243, A replaced by G.
Protein change: p.Leu81=; no amino-acid change (leucine 81 retained).
Molecular consequence: synonymous variant. On other transcripts: non-coding transcript variant (1).
Genome position (GRCh38, 1-based): chr7:16,421,080, T>C on the plus strand (A>G on the coding strand, the complement: CRPPA is on the minus strand). VCF-style: chr7-16421080-T-C. GRCh37 (hg19) VCF-style: chr7-16460705-T-C.
Other names: c.243A>G, p.Leu81= (NM_001101417.4, NM_001368197.1).
Identifiers: ClinVar variation 596238 (VCV000596238.20), dbSNP rs763209907, ClinGen allele CA4169654.
Genomic context (GRCh38, chr7:16,421,080, plus strand): 5'-AGGCCGGGCCCCAGGGAACCGCGGGGCGCGCCCGGCGCCGCATTACCTCTCCAGGGCCTG[T>C]AGGGTGTAGCTGATGAGCGGCCTCTCCAGGATGGGGCAGAATTGCTTCGGGGTGGGGACC-3'
Protein context (NP_001094896.1, residues 71-91): ILERPLISYT[Leu81=]QALERVCWIK

ClinVar aggregate classification (germline): Conflicting classifications of pathogenicity. Review status: criteria provided, conflicting classifications (1 of 4 stars). 5 submissions from 5 submitters: Uncertain significance (1); Likely benign (4). Last evaluated 2026-09-01.

Conditions:
Muscular dystrophy-dystroglycanopathy (congenital with brain and eye anomalies), type A, 7. Also called: WALKER-WARBURG SYNDROME OR MUSCLE-EYE-BRAIN DISEASE, ISPD-RELATED; Congenital muscular dystrophy-dystroglycanopathy with brain and eye anomalies, type A7. Identifiers: Orphanet 899, MedGen C3553330, MONDO:0013835, OMIM 614643.
Autosomal recessive limb-girdle muscular dystrophy type 2U. Also called: Muscular dystrophy-dystroglycanopathy (limb-girdle), type c, 7; MUSCULAR DYSTROPHY, LIMB-GIRDLE, TYPE 2U. Identifiers: Orphanet 352479, MedGen C5190987, MONDO:0014474, OMIM 616052.

Allele frequency attached by ClinVar (database versions not stated): gnomAD exomes 0.00007 and 0.00008; gnomAD 0.00011 and 0.00012; TOPMed 0.00011; 1000 Genomes Project 30x 0.00016; ExAC 0.00038.
gnomAD v4.1: 112 of 1,289,776 alleles (0.0087%); highest among the groups gnomAD compares: Middle Eastern, 0.041%; no homozygotes.

Submissions (5):

CeGaT Center for Human Genetics Tuebingen
Classification: Likely benign. Last evaluated: 2026-09-01. Review status: criteria provided, single submitter. Criteria: CeGaT Center For Human Genetics Tuebingen Variant Classification Criteria Version 2. Collection method: clinical testing. Allele origin: germline. Affected: yes. Observed: 1 variant allele.
Comment: CRPPA: BP4, BP7

Labcorp Genetics (formerly Invitae), Labcorp
Classification: Likely benign for Muscular dystrophy-dystroglycanopathy (congenital with brain and eye anomalies), type A, 7; Autosomal recessive limb-girdle muscular dystrophy type 2U. Last evaluated: 2026-01-07. Review status: criteria provided, single submitter. Criteria: Invitae Variant Classification Sherloc (09022015). Collection method: clinical testing. Allele origin: germline.

Blueprint Genetics
Classification: Likely benign. Last evaluated: 2024-11-15. Review status: criteria provided, single submitter. Criteria: ACMG Guidelines, 2015. Collection method: clinical testing. Allele origin: germline.

GeneDx
Classification: Likely benign. Last evaluated: 2021-05-01. Review status: criteria provided, single submitter. Criteria: GeneDx Variant Classification Process June 2021. Collection method: clinical testing. Allele origin: germline. Affected: yes.

Eurofins Ntd Llc (ga)
Classification: Uncertain significance. Last evaluated: 2018-02-28. Review status: criteria provided, single submitter. Criteria: EGL ClinVar v180209 classification definitions. Collection method: clinical testing. Allele origin: germline. Observed: 1 variant allele, 1 heterozygote.